The following is an entry in ClinVar:

ClinVar aggregate classification (germline): Uncertain significance (1 of 4 stars; one submission).

Conditions:
LEPR-related disorder. Also called: LEPR-related condition; LEPR-related disorders.

gnomAD v4.1: 4 of 1,611,912 alleles (0.00025%); highest among the groups gnomAD compares: African/African-American, 0.004%; no homozygotes.

Submission:

PreventionGenetics, part of Exact Sciences
Classification: Uncertain significance for LEPR-related condition. Last evaluated: 2026-09-25. Review status: criteria provided, single submitter. Criteria: ACMG Guidelines, 2015. Collection method: clinical testing. Allele origin: germline.
Comment: The LEPR c.838G>A variant is predicted to result in the amino acid substitution p.Val280Ile. To our knowledge, this variant has not been reported in the literature or in a large population database (gnomAD), indicating this variant is rare. At this time, the clinical significance of this variant is uncertain due to the absence of conclusive functional and genetic evidence.

NM_002303.6(LEPR):c.838G>A (p.Val280Ile)

Gene: LEPR (leptin receptor; plus strand). Cytogenetic location: 1p31.3.
Variant type: single nucleotide variant.
Coding change: c.838G>A on transcript NM_002303.6 (MANE Select); coding-DNA position 838, G replaced by A.
Protein change: p.Val280Ile; replaces valine 280 with isoleucine.
Molecular consequence: missense variant.
Genome position (GRCh38, 1-based): chr1:65,596,582, G>A. VCF-style: chr1-65596582-G-A. GRCh37 (hg19) VCF-style: chr1-66062265-G-A.
Other names: c.838G>A, p.Val280Ile (NM_001003679.3, NM_001003680.3, NM_001198687.2 and 2 more transcripts); short protein forms V280I.
Identifiers: ClinVar variation 4982657 (VCV004982657.1).